The following is an entry in ClinVar:

NM_001009944.3(PKD1):c.1202-8G>A

Gene: PKD1 (polycystin 1, transient receptor potential channel interacting; minus strand). Cytogenetic location: 16p13.3.
Variant type: single nucleotide variant.
Coding change: c.1202-8G>A on transcript NM_001009944.3 (MANE Select); 8 bases into the intron before coding-DNA position 1202, G replaced by A.
Molecular consequence: intron variant.
Genome position (GRCh38, 1-based): chr16:2,117,680, C>T on the plus strand (G>A on the coding strand, the complement: PKD1 is on the minus strand). VCF-style: chr16-2117680-C-T. GRCh37 (hg19) VCF-style: chr16-2167681-C-T.
Other names: c.1202-8G>A (NM_000296.4).
Identifiers: ClinVar variation 433945 (VCV000433945.3), dbSNP rs560799680, ClinGen allele CA7833576.

ClinVar aggregate classification (germline): Conflicting classifications of pathogenicity. Review status: criteria provided, conflicting classifications (1 of 4 stars). 3 submissions from 3 submitters: Uncertain significance (2); Likely benign (1). Last evaluated 2026-03-17.

Allele frequency attached by ClinVar (database versions not stated): gnomAD 0.00004 and 0.00007; TOPMed 0.00004; 1000 Genomes Project 30x 0.00016; 1000 Genomes Project 0.00020.
gnomAD v4.1: 182 of 1,606,910 alleles (0.011%); highest among the groups gnomAD compares: South Asian, 0.14%; 1 homozygote.

Submissions (3):

GeneDx
Classification: Uncertain significance. Last evaluated: 2026-03-17. Review status: criteria provided, single submitter. Criteria: GeneDx Variant Classification Process June 2021. Collection method: clinical testing. Allele origin: germline.
Comment: Published in vitro minigene splicing assay suggests this variant may alter gene splicing; however, due to known limitations of this assay type, the true impact on endogenous splicing remains unclear (PMID: 34257392); In silico analysis suggests that this variant does not alter splicing; This variant is associated with the following publications: (PMID: 34257392)

Blueprint Genetics
Classification: Likely benign. Last evaluated: 2023-11-03. Review status: criteria provided, single submitter. Criteria: ACMG Guidelines, 2015. Collection method: clinical testing. Allele origin: germline.

Department of Pathology and Laboratory Medicine, Sinai Health System
Classification: Uncertain significance. Last evaluated: 2016-07-22. Review status: criteria provided, single submitter. Criteria: ACMG Guidelines, 2015. Collection method: clinical testing. Allele origin: germline. Affected: yes. Study: The Canadian Open Genetics Repository (COGR).